The following is an entry in ClinVar:

ClinVar aggregate classification (germline): Conflicting classifications of pathogenicity. Review status: criteria provided, conflicting classifications (1 of 4 stars). 9 submissions from 7 submitters: Uncertain significance (1); Benign (1); Likely benign (5). 2 of the submissions do not count toward it. Last evaluated 2026-01-25.

Conditions:
Odonto-onycho-dermal dysplasia. Identifiers: Orphanet 2721, MedGen C0796093, MONDO:0009773, OMIM 257980.
WNT10A-related disorder. Also called: WNT10A-related disorders; WNT10A-related condition.
Tooth agenesis, selective, 4 (STHAG4). Also called: SUCCEDANEOUS TEETH, AGENESIS OF; TOOTH AGENESIS, SELECTIVE, 4, WITH OR WITHOUT ECTODERMAL DYSPLASIA; LATERAL INCISORS, ABSENCE OF; LATERAL INCISORS, PEGGED OR MISSING. Identifiers: Orphanet 99798, MedGen C1835492, MONDO:0007881, OMIM 150400. Disease mechanism: loss of function.
Schöpf-Schulz-Passarge syndrome. Also called: ECCRINE TUMORS WITH ECTODERMAL DYSPLASIA; SchC6pf-Schulz-Passarge syndrome; KERATOSIS PALMOPLANTARIS WITH CYSTIC EYELIDS, HYPODONTIA, AND HYPOTRICHOSIS. Identifiers: Orphanet 50944, MedGen C1857069, MONDO:0009145, OMIM 224750.

Allele frequency attached by ClinVar (database versions not stated): gnomAD 0.00089 and 0.00110; TOPMed 0.00090; ESP Exome Variant Server 0.00138; gnomAD exomes 0.00138 and 0.00177; ExAC 0.00198; 1000 Genomes Project 0.00280; 1000 Genomes Project 30x 0.00281.
gnomAD v4.1: 2,197 of 1,614,174 alleles (0.14%); highest among the groups gnomAD compares: South Asian, 0.61%; 8 homozygotes.

Submissions (9):

Labcorp Genetics (formerly Invitae), Labcorp
Classification: Benign for Tooth agenesis, selective, 4; Odonto-onycho-dermal dysplasia. Last evaluated: 2026-01-25. Review status: criteria provided, single submitter. Criteria: Invitae Variant Classification Sherloc (09022015). Collection method: clinical testing. Allele origin: germline.

CeGaT Center for Human Genetics Tuebingen
Classification: Likely benign. Last evaluated: 2026-01-01. Review status: criteria provided, single submitter. Criteria: CeGaT Center For Human Genetics Tuebingen Variant Classification Criteria Version 2. Collection method: clinical testing. Allele origin: germline. Affected: yes. Observed: 2 variant alleles.
Comment: WNT10A: BS2

GeneDx
Classification: Uncertain significance. Last evaluated: 2024-12-14. Review status: criteria provided, single submitter. Criteria: GeneDx Variant Classification Process June 2021. Collection method: clinical testing. Allele origin: germline. Affected: yes.
Comment: Observed in the heterozygous state in two brothers with tooth agenesis; the more severely affected brother was also heterozygous for an EDARADD variant (PMID: 23991204); Identified in an individual with hypodontia; this individual's mother also harbors the variant and has fully developed dentition (PMID: 35999385); Reported along with a second WNT10A variant in a patient with oligodontia, but familial segregation information was not included (PMID: 24449199); In silico analysis supports that this missense variant has a deleterious effect on protein structure/function; This variant is associated with the following publications: (PMID: 34426522, 24449199, 35999385, 23991204)

Mendelics
Classification: Likely benign for Odonto-onycho-dermal dysplasia. Last evaluated: 2019-05-28. Review status: criteria provided, single submitter. Criteria: Mendelics Assertion Criteria 2017. Collection method: clinical testing. Allele origin: unknown.

Illumina Laboratory Services, Illumina
Classification: Likely benign for Schöpf-Schulz-Passarge syndrome. Last evaluated: 2018-01-12. Review status: criteria provided, single submitter. Criteria: ICSL Variant Classification Criteria 13 December 2019. Collection method: clinical testing. Allele origin: germline.
Comment: This variant was observed in the ICSL laboratory as part of a predisposition screen in an ostensibly healthy population. It had not been previously curated by ICSL or reported in the Human Gene Mutation Database (HGMD: prior to June 1st, 2018), and was therefore a candidate for classification through an automated scoring system. Utilizing variant allele frequency, disease prevalence and penetrance estimates, and inheritance mode, an automated score was calculated to assess if this variant is too frequent to cause the disease. Based on the score and internal cut-off values, a variant classified as likely benign is not then subjected to further curation. The score for this variant resulted in a classification of likely benign for this disease.

Illumina Laboratory Services, Illumina
Classification: Likely benign for Tooth agenesis, selective, 4. Last evaluated: 2018-01-12. Review status: criteria provided, single submitter. Criteria: ICSL Variant Classification Criteria 13 December 2019. Collection method: clinical testing. Allele origin: germline.
Comment: the same text as in the submission from Illumina Laboratory Services, Illumina above.

Illumina Laboratory Services, Illumina
Classification: Likely benign for Odonto-onycho-dermal dysplasia. Last evaluated: 2018-01-12. Review status: criteria provided, single submitter. Criteria: ICSL Variant Classification Criteria 13 December 2019. Collection method: clinical testing. Allele origin: germline.
Comment: the same text as in the submission from Illumina Laboratory Services, Illumina above.

PreventionGenetics, part of Exact Sciences
Classification: Uncertain significance for WNT10A-related condition. Last evaluated: 2024-01-22. Review status: no assertion criteria provided. Collection method: clinical testing. Allele origin: germline. Not counted in ClinVar's aggregate classification.
Comment: The WNT10A c.208C>T variant is predicted to result in the amino acid substitution p.Arg70Trp. This variant is documented in 0.59% of alleles in individuals of South Asian descent in gnomAD. This variant could be benign. At this time, the clinical significance of this variant is uncertain due to insufficient functional and genetic evidence.

Natera, Inc.
Classification: Benign for Schopf-Schulz-Passarge syndrome. Last evaluated: 2020-06-08. Review status: no assertion criteria provided. Collection method: clinical testing. Allele origin: germline. Not counted in ClinVar's aggregate classification.

NM_025216.3(WNT10A):c.208C>T (p.Arg70Trp)

Gene: WNT10A (Wnt family member 10A; plus strand). Cytogenetic location: 2q35.
Variant type: single nucleotide variant.
Coding change: c.208C>T on transcript NM_025216.3 (MANE Select); coding-DNA position 208, C replaced by T.
Protein change: p.Arg70Trp; replaces arginine 70 with tryptophan.
Molecular consequence: missense variant.
Genome position (GRCh38, 1-based): chr2:218,882,255, C>T. VCF-style: chr2-218882255-C-T. GRCh37 (hg19) VCF-style: chr2-219746977-C-T.
Other names: short protein forms R70W.
Identifiers: ClinVar variation 334394 (VCV000334394.51), dbSNP rs146460077, ClinGen allele CA2113858.